The following is an entry in ClinVar:

NM_024577.4(SH3TC2):c.*6470T>C

Gene: SH3TC2 (SH3 domain and tetratricopeptide repeats 2; minus strand). Cytogenetic location: 5q32.
Variant type: single nucleotide variant.
Coding change: c.*6470T>C on transcript NM_024577.4 (MANE Select); 6470 bases downstream of the stop codon, T replaced by C.
Molecular consequence: 3 prime UTR variant.
Genome position (GRCh38, 1-based): chr5:148,998,241, A>G on the plus strand (T>C on the coding strand, the complement: SH3TC2 is on the minus strand). VCF-style: chr5-148998241-A-G. GRCh37 (hg19) VCF-style: chr5-148377804-A-G.
Identifiers: ClinVar variation 351788 (VCV000351788.6), dbSNP rs185164450, ClinGen allele CA10619526.

ClinVar aggregate classification (germline): Benign/Likely benign. Review status: criteria provided, multiple submitters, no conflicts (2 of 4 stars). 3 submissions from 2 submitters: Benign (1); Likely benign (2). Last evaluated 2021-05-25.

Conditions:
Susceptibility to mononeuropathy of the median nerve, mild. Also called: CARPAL TUNNEL SYNDROME, SUSCEPTIBILITY TO. Identifiers: MedGen C3150596, MONDO:0013237, OMIM 613353.
Charcot-Marie-Tooth disease type 4C (CMT4C). Also called: CHARCOT-MARIE-TOOTH DISEASE, DEMYELINATING, AUTOSOMAL RECESSIVE, TYPE 4C; CMT 4C; Charcot-Marie-Tooth Neuropathy Type 4C (CMT4C); CHARCOT-MARIE-TOOTH DISEASE, DEMYELINATING, TYPE 4C; SH3TC2-Related Hereditary Motor and Sensory Neuropathy. Identifiers: Orphanet 99949, MedGen C1866636, MONDO:0011113, OMIM 601596.

Allele frequency attached by ClinVar (database versions not stated): 1000 Genomes Project 0.00399; 1000 Genomes Project 30x 0.00422; gnomAD 0.00580 and 0.00616; TOPMed 0.00649.
gnomAD v4.1: 875 of 152,278 alleles (0.57%); highest among the groups gnomAD compares: African/African-American, 2%; 13 homozygotes.

Submissions (3):

GeneDx
Classification: Likely benign. Last evaluated: 2021-05-25. Review status: criteria provided, single submitter. Criteria: GeneDx Variant Classification Process June 2021. Collection method: clinical testing. Allele origin: germline. Affected: yes.
Comment: See Variant Classification Assertion Criteria.

Illumina Laboratory Services, Illumina
Classification: Likely benign for Charcot-Marie-Tooth disease type 4C. Last evaluated: 2018-01-13. Review status: criteria provided, single submitter. Criteria: ICSL Variant Classification Criteria 13 December 2019. Collection method: clinical testing. Allele origin: germline.
Comment: This variant was observed in the ICSL laboratory as part of a predisposition screen in an ostensibly healthy population. It had not been previously curated by ICSL or reported in the Human Gene Mutation Database (HGMD: prior to June 1st, 2018), and was therefore a candidate for classification through an automated scoring system. Utilizing variant allele frequency, disease prevalence and penetrance estimates, and inheritance mode, an automated score was calculated to assess if this variant is too frequent to cause the disease. Based on the score and internal cut-off values, a variant classified as likely benign is not then subjected to further curation. The score for this variant resulted in a classification of likely benign for this disease.

Illumina Laboratory Services, Illumina
Classification: Benign for Susceptibility to mononeuropathy of the median nerve, mild. Last evaluated: 2018-01-13. Review status: criteria provided, single submitter. Criteria: ICSL Variant Classification Criteria 13 December 2019. Collection method: clinical testing. Allele origin: germline.
Comment: This variant was observed in the ICSL laboratory as part of a predisposition screen in an ostensibly healthy population. It had not been previously curated by ICSL or reported in the Human Gene Mutation Database (HGMD: prior to June 1st, 2018), and was therefore a candidate for classification through an automated scoring system. Utilizing variant allele frequency, disease prevalence and penetrance estimates, and inheritance mode, an automated score was calculated to assess if this variant is too frequent to cause the disease. Based on the score and internal cut-off values, a variant classified as benign is not then subjected to further curation. The score for this variant resulted in a classification of benign for this disease.